The following is an entry in ClinVar:

ClinVar aggregate classification (germline): Likely benign. Review status: criteria provided, multiple submitters, no conflicts (2 of 4 stars). 2 submissions from 2 submitters: Likely benign (2). Last evaluated 2026-04-01.

Conditions:
Polyglandular autoimmune syndrome, type 1 (APS1). Also called: PGA I; Autoimmune polyendocrine syndrome type 1; AUTOIMMUNE POLYENDOCRINE SYNDROME, TYPE I, WITH OR WITHOUT REVERSIBLE METAPHYSEAL DYSPLASIA; HYPOADRENOCORTICISM WITH HYPOPARATHYROIDISM AND SUPERFICIAL MONILIASIS; Autoimmune polyendocrinopathy syndrome, type I; Autoimmune polyendocrinopathy syndrome , type I, with or without reversible metaphyseal dysplasia. Identifiers: Orphanet 3453, MedGen C0085859, MONDO:0009411, OMIM 240300.

Allele frequency attached by ClinVar (database versions not stated): ExAC 0.00006; TOPMed 0.00006; gnomAD 0.00009; gnomAD exomes 0.00009.
gnomAD v4.1: 62 of 1,612,376 alleles (0.0038%); highest among the groups gnomAD compares: Admixed American, 0.057%; no homozygotes.

Submissions (2):

CeGaT Center for Human Genetics Tuebingen
Classification: Likely benign. Last evaluated: 2026-04-01. Review status: criteria provided, single submitter. Criteria: CeGaT Center For Human Genetics Tuebingen Variant Classification Criteria Version 2. Collection method: clinical testing. Allele origin: germline. Affected: yes. Observed: 2 variant alleles.
Comment: AIRE: BP4, BP7

Labcorp Genetics (formerly Invitae), Labcorp
Classification: Likely benign for Polyglandular autoimmune syndrome, type 1. Last evaluated: 2025-12-19. Review status: criteria provided, single submitter. Criteria: Invitae Variant Classification Sherloc (09022015). Collection method: clinical testing. Allele origin: germline.

NM_000383.4(AIRE):c.426G>A (p.Ala142=)

Gene: AIRE (autoimmune regulator; plus strand). Cytogenetic location: 21q22.3.
Variant type: single nucleotide variant.
Coding change: c.426G>A on transcript NM_000383.4 (MANE Select); coding-DNA position 426, G replaced by A.
Protein change: p.Ala142=; no amino-acid change (alanine 142 retained).
Molecular consequence: synonymous variant.
Genome position (GRCh38, 1-based): chr21:44,287,096, G>A. VCF-style: chr21-44287096-G-A. GRCh37 (hg19) VCF-style: chr21-45706979-G-A.
Identifiers: ClinVar variation 458619 (VCV000458619.35), dbSNP rs748305262, ClinGen allele CA10051555.
Genomic context (GRCh38, chr21:44,287,096, plus strand): 5'-GGTACCGCCACCCAGACTCCCCACCAAGAGGAAGGCCTCAGAAGAGGCTCGAGCTGCCGC[G>A]CCAGCAGCCCTGACTCCAAGGGGCACCGCCAGCCCAGGTACCCTCCCTGCAGGGGAAGCC-3'
Protein context (NP_000374.1, residues 132-152): RKASEEARAA[Ala142=]PAALTPRGTA